The following is an entry in ClinVar:

NM_015295.3(SMCHD1):c.230C>G (p.Thr77Arg)

Gene: SMCHD1 (structural maintenance of chromosomes flexible hinge domain containing 1; plus strand). Cytogenetic location: 18p11.32.
Variant type: single nucleotide variant.
Coding change: c.230C>G on transcript NM_015295.3 (MANE Select); coding-DNA position 230, C replaced by G.
Protein change: p.Thr77Arg; replaces threonine 77 with arginine.
Molecular consequence: missense variant.
Genome position (GRCh38, 1-based): chr18:2,666,200, C>G. VCF-style: chr18-2666200-C-G. GRCh37 (hg19) VCF-style: chr18-2666199-C-G.
Other names: short protein forms T77R.
Identifiers: ClinVar variation 2682431 (VCV002682431.4), dbSNP rs2510097171, ClinGen allele CA401687360.
Genomic context (GRCh38, chr18:2,666,200, plus strand): 5'-TTTCTTATTTTGGATAGACACTTGGCATTTCACCTGAAGAAAAATTTGTTATTACAACAA[C>G]AAGTAGGAAAGAAATTACCTGTGATAATTTTGGTAGGTAAACAGTGTTACTAAGTTGATG-3'
Protein context (NP_056110.2, residues 67-87): SPEEKFVITT[Thr77Arg]SRKEITCDNF

ClinVar aggregate classification (germline): Uncertain significance. Review status: criteria provided, multiple submitters, no conflicts (2 of 4 stars). 2 submissions from 2 submitters: Uncertain significance (2). Last evaluated 2023-12-10.

Conditions:
Facioscapulohumeral muscular dystrophy 2 (FSHD2). Also called: MUSCULAR DYSTROPHY, FACIOSCAPULOHUMERAL, TYPE 1B; FACIOSCAPULOHUMERAL MUSCULAR DYSTROPHY 2, DIGENIC; FSHD2, DIGENIC. Identifiers: Orphanet 269, MedGen C1834671, MONDO:0008031, OMIM 158901.

Submissions (2):

Labcorp Genetics (formerly Invitae), Labcorp
Classification: Uncertain significance for Facioscapulohumeral muscular dystrophy 2. Last evaluated: 2023-12-10. Review status: criteria provided, single submitter. Criteria: Invitae Variant Classification Sherloc (09022015). Collection method: clinical testing. Allele origin: germline.
Comment: This sequence change replaces threonine, which is neutral and polar, with arginine, which is basic and polar, at codon 77 of the SMCHD1 protein (p.Thr77Arg). This variant is not present in population databases (gnomAD no frequency). This variant has not been reported in the literature in individuals affected with SMCHD1-related conditions. Advanced modeling of protein sequence and biophysical properties (such as structural, functional, and spatial information, amino acid conservation, physicochemical variation, residue mobility, and thermodynamic stability) performed at Invitae indicates that this missense variant is expected to disrupt SMCHD1 protein function with a positive predictive value of 80%. In summary, the available evidence is currently insufficient to determine the role of this variant in disease. Therefore, it has been classified as a Variant of Uncertain Significance.

Women's Health and Genetics/Laboratory Corporation of America, LabCorp
Classification: Uncertain significance. Last evaluated: 2023-11-09. Review status: criteria provided, single submitter. Criteria: LabCorp Variant Classification Summary - May 2015. Collection method: clinical testing. Allele origin: germline.
Comment: Variant summary: SMCHD1 c.230C>G (p.Thr77Arg) results in a non-conservative amino acid change in the encoded protein sequence. Four of five in-silico tools predict a damaging effect of the variant on protein function. The variant was absent in 234150 control chromosomes. The available data on variant occurrences in the general population are insufficient to allow any conclusion about variant significance. To our knowledge, no occurrence of c.230C>G in individuals affected with Arrhinia With Choanal Atresia And Microphthalmia Syndrome and no experimental evidence demonstrating its impact on protein function have been reported. No submitters have cited clinical-significance assessments for this variant to ClinVar after 2014. Based on the evidence outlined above, the variant was classified as uncertain significance.